The following is an entry in ClinVar:

NM_001127222.2(CACNA1A):c.3002G>C (p.Arg1001Pro)

Gene: CACNA1A (calcium voltage-gated channel subunit alpha1 A; minus strand). Cytogenetic location: 19p13.13.
Variant type: single nucleotide variant.
Coding change: c.3002G>C on transcript NM_001127222.2 (MANE Select); coding-DNA position 3002, G replaced by C.
Protein change: p.Arg1001Pro; replaces arginine 1001 with proline.
Molecular consequence: missense variant.
Genome position (GRCh38, 1-based): chr19:13,298,631, C>G on the plus strand (G>C on the coding strand, the complement: CACNA1A is on the minus strand). VCF-style: chr19-13298631-C-G. GRCh37 (hg19) VCF-style: chr19-13409445-C-G.
Other names: c.3014G>C, p.Arg1005Pro (NM_000068.4, NM_023035.3); c.3005G>C, p.Arg1002Pro (NM_001127221.2, NM_001174080.2); short protein forms R1002P, R1005P, R1001P.
Identifiers: ClinVar variation 1387281 (VCV001387281.6), dbSNP rs1424294725, ClinGen allele CA404342275.
Genomic context (GRCh38, chr19:13,298,631, plus strand): 5'-TCCTCCCTCCGCGCGTCCCCCTCGTACGTGGCTGGAGCGCCATGCCGGTGCCTTCTCCTG[C>G]GCTCGCCCCCGTCGGGGCCCTCGCCCTCGCCCTCGCCGCCCCGGGCCGGCCGGCTGCCCT-3'
Protein context (NP_001120694.1, residues 991-1011): GEGEGPDGGE[Arg1001Pro]RRRHRHGAPA

ClinVar aggregate classification (germline): Uncertain significance (1 of 4 stars; one submission).

Conditions:
Developmental and epileptic encephalopathy, 42 (DEE42A). Also called: Epileptic encephalopathy, early infantile, 42; DEVELOPMENTAL AND EPILEPTIC ENCEPHALOPATHY 42A; EPILEPTIC ENCEPHALOPATHY, EARLY INFANTILE, 42A. Identifiers: MedGen C4310716, MONDO:0014917, OMIM 617106.
Episodic ataxia type 2 (EA2). Also called: EPISODIC ATAXIA, NYSTAGMUS-ASSOCIATED; ACETAZOLAMIDE-RESPONSIVE HEREDITARY PAROXYSMAL CEREBELLAR ATAXIA; ATAXIA, EPISODIC, WITH NYSTAGMUS; ATAXIA, FAMILIAL PAROXYSMAL; CEREBELLAR ATAXIA, PAROXYSMAL, ACETAZOLAMIDE-RESPONSIVE; CEREBELLOPATHY, HEREDITARY PAROXYSMAL. Identifiers: Orphanet 97, MedGen C1720416, MONDO:0007163, OMIM 108500.

Allele frequency attached by ClinVar (database versions not stated): gnomAD exomes 0.00001; TOPMed 0.00001.
gnomAD v4.1: 3 of 1,526,744 alleles (0.0002%); highest among the groups gnomAD compares: East Asian, 0.0081%; no homozygotes.

Submission:

Labcorp Genetics (formerly Invitae), Labcorp
Classification: Uncertain significance for Developmental and epileptic encephalopathy, 42; Episodic ataxia type 2. Last evaluated: 2021-10-15. Review status: criteria provided, single submitter. Criteria: Invitae Variant Classification Sherloc (09022015). Collection method: clinical testing. Allele origin: germline.
Comment: This variant is not present in population databases (ExAC no frequency). This variant has not been reported in the literature in individuals affected with CACNA1A-related conditions. Advanced modeling of protein sequence and biophysical properties (such as structural, functional, and spatial information, amino acid conservation, physicochemical variation, residue mobility, and thermodynamic stability) performed at Invitae indicates that this missense variant is not expected to disrupt CACNA1A protein function. In summary, the available evidence is currently insufficient to determine the role of this variant in disease. Therefore, it has been classified as a Variant of Uncertain Significance. This sequence change replaces arginine with proline at codon 1002 of the CACNA1A protein (p.Arg1002Pro). The arginine residue is moderately conserved and there is a moderate physicochemical difference between arginine and proline.